The following is an entry in ClinVar:

ClinVar aggregate classification (germline): Uncertain significance (1 of 4 stars; one submission).

Submission:

Ambry Genetics
Classification: Uncertain significance. Last evaluated: 2025-12-23. Review status: criteria provided, single submitter. Criteria: Ambry Variant Classification Scheme 2023. Collection method: clinical testing. Allele origin: germline.
Comment: The p.C471Y variant (also known as c.1412G>A), located in coding exon 8 of the RNF43 gene, results from a G to A substitution at nucleotide position 1412. The cysteine at codon 471 is replaced by tyrosine, an amino acid with highly dissimilar properties. This amino acid position is conserved. In addition, the in silico prediction for this alteration is inconclusive. Based on the available evidence, the clinical significance of this variant remains unclear.

NM_017763.6(RNF43):c.1412G>A (p.Cys471Tyr)

Gene: RNF43 (ring finger protein 43; minus strand). Cytogenetic location: 17q22.
Variant type: single nucleotide variant.
Coding change: c.1412G>A on transcript NM_017763.6 (MANE Select); coding-DNA position 1412, G replaced by A.
Protein change: p.Cys471Tyr; replaces cysteine 471 with tyrosine.
Molecular consequence: missense variant.
Genome position (GRCh38, 1-based): chr17:58,358,364, C>T on the plus strand (G>A on the coding strand, the complement: RNF43 is on the minus strand). VCF-style: chr17-58358364-C-T. GRCh37 (hg19) VCF-style: chr17-56435725-C-T.
Other names: c.1412G>A, p.Cys471Tyr (NM_001305544.3, NM_001438820.1, NM_001438821.1 and 1 more transcripts); c.1031G>A, p.Cys344Tyr (NM_001305545.2, NM_001437987.1); short protein forms C344Y, C471Y.
Identifiers: ClinVar variation 4841966 (VCV004841966.1).